The following is an entry in ClinVar:

ClinVar aggregate classification (germline): Conflicting classifications of pathogenicity. Review status: criteria provided, conflicting classifications (1 of 4 stars). 2 submissions from 2 submitters: Uncertain significance (1); Likely benign (1). Last evaluated 2025-08-12.

Conditions:
Familial adenomatous polyposis 2. Also called: COLORECTAL ADENOMATOUS POLYPOSIS, AUTOSOMAL RECESSIVE; ADENOMAS, MULTIPLE COLORECTAL, AUTOSOMAL RECESSIVE; MYH-associated polyposis; MUTYH Polyposis; Adenomas, multiple colorectal; FAP type 2. Identifiers: Orphanet 220460, Orphanet 247798, MedGen C3272841, MONDO:0012041, OMIM 608456.
Hereditary cancer-predisposing syndrome. Also called: Tumor predisposition; Neoplastic Syndromes, Hereditary; Hereditary Cancer Syndrome; Hereditary neoplastic syndrome. Identifiers: Orphanet 140162, MedGen C0027672, MeSH D009386, MONDO:0015356.

Submissions (2):

Ambry Genetics
Classification: Uncertain significance for Hereditary cancer-predisposing syndrome. Last evaluated: 2025-08-12. Review status: criteria provided, single submitter. Criteria: Ambry Variant Classification Scheme 2023. Collection method: clinical testing. Allele origin: germline.
Comment: The c.30T>C variant (also known as p.R10R), located in coding exon 1 of the MUTYH gene, results from a T to C substitution at nucleotide position 30. This nucleotide substitution does not change the amino acid at codon 10. This nucleotide position is not well conserved in available vertebrate species. In silico splice site analysis for this alteration is inconclusive; however, direct evidence is insufficient at this time (Ambry internal data). Based on the available evidence, the clinical significance of this variant remains unclear.

Labcorp Genetics (formerly Invitae), Labcorp
Classification: Likely benign for Familial adenomatous polyposis 2. Last evaluated: 2023-02-26. Review status: criteria provided, single submitter. Criteria: Invitae Variant Classification Sherloc (09022015). Collection method: clinical testing. Allele origin: germline.

NM_001128425.2(MUTYH):c.30T>C (p.Arg10=)

Genes: MUTYH (mutY DNA glycosylase; minus strand), TOE1 (target of EGR1, exonuclease; plus strand). Cytogenetic location: 1p34.1.
Variant type: single nucleotide variant.
Coding change: c.30T>C on transcript NM_001128425.2 (MANE Plus Clinical); coding-DNA position 30, T replaced by C.
Protein change: p.Arg10=; no amino-acid change (arginine 10 retained).
Molecular consequence: synonymous variant. On other transcripts: 5 prime UTR variant (8), non-coding transcript variant (3).
Genome position (GRCh38, 1-based): chr1:45,340,225, A>G on the plus strand (T>C on the coding strand, the complement: MUTYH is on the minus strand). VCF-style: chr1-45340225-A-G. GRCh37 (hg19) VCF-style: chr1-45805897-A-G.
Other names: c.-13T>C (NM_001048171.2); c.30T>C, p.Arg10= (NM_001293190.2, NM_001407069.1, NM_001407073.1 and 1 more transcripts); c.-225T>C (NM_001293192.2); c.-284T>C (NM_001350650.2); c.-220T>C (NM_001350651.2); c.-29T>C (NM_001407070.1, NM_001407071.1); c.-9T>C (NM_001407072.1); c.-28A>G (NM_025077.4).
Identifiers: ClinVar variation 2841140 (VCV002841140.4), dbSNP rs2524698413, ClinGen allele CA417702309.